The following is an entry in ClinVar:

NM_001267550.2(TTN):c.5354C>G (p.Thr1785Arg)

Gene: TTN (titin; minus strand). Cytogenetic location: 2q31.2.
Variant type: single nucleotide variant.
Coding change: c.5354C>G on transcript NM_001267550.2 (MANE Select); coding-DNA position 5354, C replaced by G.
Protein change: p.Thr1785Arg; replaces threonine 1785 with arginine.
Molecular consequence: missense variant.
Genome position (GRCh38, 1-based): chr2:178,776,510, G>C on the plus strand (C>G on the coding strand, the complement: TTN is on the minus strand). VCF-style: chr2-178776510-G-C. GRCh37 (hg19) VCF-style: chr2-179641237-G-C.
Other names: c.5354C>G, p.Thr1785Arg (NM_133378.4, NM_001256850.1, NM_133379.5); c.5216C>G, p.Thr1739Arg (NM_003319.4, NM_133432.3, NM_133437.4); short protein forms T1785R, T1739R.
Identifiers: ClinVar variation 47171 (VCV000047171.5), dbSNP rs397517649, ClinGen allele CA140213.
Genomic context (GRCh38, chr2:178,776,510, plus strand): 5'-TGGGATTCTTCCACAAGACTTTTCTCATCTTTAACAATAAGGGTAGCAGATGTGTGATCT[G>C]TTCCATATTTGTTAGTGGCTCTGCAAGTAATGATACCACTGTCTCTAGAATATGCAACGC-3'
Protein context (NP_001254479.2, residues 1775-1795): ITCRATNKYG[Thr1785Arg]DHTSATLIVK

ClinVar aggregate classification (germline): Uncertain significance (1 of 4 stars; one submission).

Allele frequency attached by ClinVar (database versions not stated): TOPMed below 0.00001; gnomAD 0.00001.
gnomAD v4.1: 5 of 1,608,798 alleles (0.00031%); highest among the groups gnomAD compares: Non-Finnish European, 0.00042%; no homozygotes.

Submission:

Laboratory for Molecular Medicine, Mass General Brigham Personalized Medicine
Classification: Uncertain significance. Last evaluated: 2012-04-05. Review status: criteria provided, single submitter. Criteria: LMM Criteria. Collection method: clinical testing. Allele origin: germline. Observed: 1 variant allele.
Comment: The Thr1785Arg variant in TTN has not been reported in the literature nor previo usly identified by our laboratory. Computational analyses (biochemical amino aci d properties, conservation, AlignGVGD,and SIFT) suggest that this variant may im pact the protein, though this information is not predictive enough to determine pathogenicity. Additional information is needed to fully assess the clinical sig nificance of the Thr1785Arg variant.